The following is an entry in ClinVar:

ClinVar aggregate classification (germline): Uncertain significance (1 of 4 stars; one submission).

Submission:

Labcorp Genetics (formerly Invitae), Labcorp
Classification: Uncertain significance. Last evaluated: 2024-11-08. Review status: criteria provided, single submitter. Criteria: Invitae Variant Classification Sherloc (09022015). Collection method: clinical testing. Allele origin: germline.
Comment: This sequence change creates a premature translational stop signal (p.Glu155*) in the ACVR1 gene. It is expected to result in an absent or disrupted protein product. However, the current clinical and genetic evidence is not sufficient to establish whether loss-of-function variants in ACVR1 cause disease. This variant is not present in population databases (gnomAD no frequency). This variant has not been reported in the literature in individuals affected with ACVR1-related conditions. In summary, the available evidence is currently insufficient to determine the role of this variant in disease. Therefore, it has been classified as a Variant of Uncertain Significance.

NM_001111067.4(ACVR1):c.463G>T (p.Glu155Ter)

Gene: ACVR1 (activin A receptor type 1; minus strand). Cytogenetic location: 2q24.1.
Variant type: single nucleotide variant.
Coding change: c.463G>T on transcript NM_001111067.4 (MANE Select); coding-DNA position 463, G replaced by T.
Protein change: p.Glu155Ter; replaces glutamic acid 155 with a stop codon.
Molecular consequence: nonsense.
Genome position (GRCh38, 1-based): chr2:157,778,211, C>A on the plus strand (G>T on the coding strand, the complement: ACVR1 is on the minus strand). VCF-style: chr2-157778211-C-A. GRCh37 (hg19) VCF-style: chr2-158634723-C-A.
Other names: c.463G>T, p.Glu155Ter (NM_001347666.1, NM_001347667.2, NM_001105.5 and 3 more transcripts); short protein forms E155*.
Identifiers: ClinVar variation 3724863 (VCV003724863.2).